The following is an entry in ClinVar:

ClinVar aggregate classification (germline): Conflicting classifications of pathogenicity. Review status: criteria provided, conflicting classifications (1 of 4 stars). 3 submissions from 3 submitters: Uncertain significance (2); Likely benign (1). Last evaluated 2026-06-01.

Conditions:
Inborn genetic diseases. Identifiers: MedGen C0950123, MeSH D030342.

Allele frequency attached by ClinVar (database versions not stated): ExAC 0.00002; TOPMed 0.00005; gnomAD 0.00006; gnomAD exomes 0.00013.

Submissions (3):

CeGaT Center for Human Genetics Tuebingen
Classification: Likely benign. Last evaluated: 2026-06-01. Review status: criteria provided, single submitter. Criteria: CeGaT Center For Human Genetics Tuebingen Variant Classification Criteria Version 2. Collection method: clinical testing. Allele origin: germline. Affected: yes. Observed: 2 variant alleles.
Comment: GRIA3: PP3, BS2

Ambry Genetics
Classification: Uncertain significance for Inborn genetic diseases. Last evaluated: 2026-03-24. Review status: criteria provided, single submitter. Criteria: Ambry Variant Classification Scheme 2023. Collection method: clinical testing. Allele origin: germline.
Comment: The c.329T>C (p.M110T) alteration is located in exon 3 (coding exon 3) of the GRIA3 gene. This alteration results from a T to C substitution at nucleotide position 329, causing the methionine (M) at amino acid position 110 to be replaced by a threonine (T). Based on data from gnomAD, the C allele has an overall frequency of 0.005% (11/205429) total alleles studied. The highest observed frequency was 0.019% (1/5341) of Other alleles. Based on insufficient or conflicting evidence, the clinical significance of this alteration remains unclear.

Labcorp Genetics (formerly Invitae), Labcorp
Classification: Uncertain significance. Last evaluated: 2024-08-07. Review status: criteria provided, single submitter. Criteria: Invitae Variant Classification Sherloc (09022015). Collection method: clinical testing. Allele origin: germline.
Comment: This sequence change replaces methionine, which is neutral and non-polar, with threonine, which is neutral and polar, at codon 110 of the GRIA3 protein (p.Met110Thr). This variant is present in population databases (rs746409680, gnomAD 0.009%). This variant has not been reported in the literature in individuals affected with GRIA3-related conditions. ClinVar contains an entry for this variant (Variation ID: 1984732). Advanced modeling of protein sequence and biophysical properties (such as structural, functional, and spatial information, amino acid conservation, physicochemical variation, residue mobility, and thermodynamic stability) performed at Invitae indicates that this missense variant is not expected to disrupt GRIA3 protein function with a negative predictive value of 80%. In summary, the available evidence is currently insufficient to determine the role of this variant in disease. Therefore, it has been classified as a Variant of Uncertain Significance.

NM_007325.5(GRIA3):c.329T>C (p.Met110Thr)

Gene: GRIA3 (glutamate ionotropic receptor AMPA type subunit 3; plus strand). Cytogenetic location: Xq25.
Variant type: single nucleotide variant.
Coding change: c.329T>C on transcript NM_007325.5 (MANE Select); coding-DNA position 329, T replaced by C.
Protein change: p.Met110Thr; replaces methionine 110 with threonine.
Molecular consequence: missense variant.
Genome position (GRCh38, 1-based): chrX:123,253,363, T>C. VCF-style: chrX-123253363-T-C. GRCh37 (hg19) VCF-style: chrX-122387214-T-C.
Other names: c.329T>C, p.Met110Thr (NM_000828.5); c.329T>C (NM_000828.4); short protein forms M110T.
Identifiers: ClinVar variation 1984732 (VCV001984732.9), dbSNP rs746409680, ClinGen allele CA10506883.